The following is an entry in ClinVar:

NM_017780.4(CHD7):c.712G>T (p.Val238Leu)

Gene: CHD7 (chromodomain helicase DNA binding protein 7; plus strand). Cytogenetic location: 8q12.2.
Variant type: single nucleotide variant.
Coding change: c.712G>T on transcript NM_017780.4 (MANE Select); coding-DNA position 712, G replaced by T.
Protein change: p.Val238Leu; replaces valine 238 with leucine.
Molecular consequence: missense variant.
Genome position (GRCh38, 1-based): chr8:60,742,144, G>T. VCF-style: chr8-60742144-G-T. GRCh37 (hg19) VCF-style: chr8-61654703-G-T.
Other names: c.712G>T, p.Val238Leu (NM_001316690.1); short protein forms V238L.
Identifiers: ClinVar variation 4802742 (VCV004802742.1).

ClinVar aggregate classification (germline): Uncertain significance (1 of 4 stars; one submission).

Conditions:
CHARGE syndrome (CHARGE). Also called: Hittner Hirsch Kreh syndrome; CHARGE ASSOCIATION--COLOBOMA, HEART ANOMALY, CHOANAL ATRESIA, RETARDATION, GENITAL AND EAR ANOMALIES; Coloboma, heart anomaly, choanal atresia, retardation, genital and ear anomalies; CHARGE association; Hall-Hittner syndrome. Identifiers: Orphanet 138, MedGen C0265354, MONDO:0008965.

gnomAD v4.1: 1 of 1,613,892 alleles (0.000062%); highest among the groups gnomAD compares: Non-Finnish European, 0.000085%; no homozygotes.

Submission:

Labcorp Genetics (formerly Invitae), Labcorp
Classification: Uncertain significance for CHARGE syndrome. Last evaluated: 2025-02-28. Review status: criteria provided, single submitter. Criteria: Invitae Variant Classification Sherloc (09022015). Collection method: clinical testing. Allele origin: germline.
Comment: This sequence change replaces valine, which is neutral and non-polar, with leucine, which is neutral and non-polar, at codon 238 of the CHD7 protein (p.Val238Leu). This variant is not present in population databases (gnomAD no frequency). This variant has not been reported in the literature in individuals affected with CHD7-related conditions. Invitae Evidence Modeling of protein sequence and biophysical properties (such as structural, functional, and spatial information, amino acid conservation, physicochemical variation, residue mobility, and thermodynamic stability) indicates that this missense variant is not expected to disrupt CHD7 protein function with a negative predictive value of 95%. In summary, the available evidence is currently insufficient to determine the role of this variant in disease. Therefore, it has been classified as a Variant of Uncertain Significance.